The following is an entry in ClinVar:

NM_025114.4(CEP290):c.502C>T (p.Arg168Cys)

Gene: CEP290 (centrosomal protein 290; minus strand). Cytogenetic location: 12q21.32.
Variant type: single nucleotide variant.
Coding change: c.502C>T on transcript NM_025114.4 (MANE Select); coding-DNA position 502, C replaced by T.
Protein change: p.Arg168Cys; replaces arginine 168 with cysteine.
Molecular consequence: missense variant.
Genome position (GRCh38, 1-based): chr12:88,130,559, G>A on the plus strand (C>T on the coding strand, the complement: CEP290 is on the minus strand). VCF-style: chr12-88130559-G-A. GRCh37 (hg19) VCF-style: chr12-88524336-G-A.
Other names: short protein forms R168C.
Identifiers: ClinVar variation 450290 (VCV000450290.10), dbSNP rs760856790, ClinGen allele CA385986546.
Genomic context (GRCh38, chr12:88,130,559, plus strand): 5'-CAACATATTTTAAATTCCCAAGATTTCACCACACTTAAAGCCTCACCTTTTTCTTTAGAC[G>A]TTTGTTCTACAGAAAAGGACAGGAAAACGGTAATTAGAAATGAGAAAGGTAATACATAAT-3'
Protein context (NP_079390.3, residues 158-178): ENSKLRRENK[Arg168Cys]LKKKNEQLCQ

ClinVar aggregate classification (germline): Uncertain significance. Review status: criteria provided, multiple submitters, no conflicts (2 of 4 stars). 6 submissions from 6 submitters: Uncertain significance (4). 2 of the submissions do not count toward it. Last evaluated 2021-10-28.

Conditions:
CEP290-related disorder. Also called: CEP290-related condition; CEP290-related disorders. Identifiers: MedGen CN239314.
Meckel-Gruber syndrome. Also called: GRUBER SYNDROME; DYSENCEPHALIA SPLANCHNOCYSTICA; Dysencephalia splachnocystica. Identifiers: Orphanet 564, MedGen C0265215, MONDO:0018921.
Joubert syndrome. Also called: Familial aplasia of the vermis; JOUBERT-BOLTSHAUSER SYNDROME. Identifiers: Orphanet 475, MedGen C5979921, MONDO:0018772.
Nephronophthisis. Also called: Juvenile Nephronophthisis. Identifiers: Orphanet 655, MedGen C0687120, MONDO:0019005, HP:0000090.
Leber congenital amaurosis (LCA). Also called: Leber's amaurosis. Identifiers: Orphanet 65, MedGen C0339527, MeSH D057130, MONDO:0018998.

Allele frequency attached by ClinVar (database versions not stated): TOPMed 0.00002.
gnomAD v4.1: 13 of 1,586,382 alleles (0.00082%); highest among the groups gnomAD compares: South Asian, 0.0023%; no homozygotes.

Submissions (6):

Women's Health and Genetics/Laboratory Corporation of America, LabCorp
Classification: Uncertain significance. Last evaluated: 2021-10-28. Review status: criteria provided, single submitter. Criteria: LabCorp Variant Classification Summary - May 2015. Collection method: clinical testing. Allele origin: germline.
Comment: Variant summary: CEP290 c.502C>T (p.Arg168Cys) results in a non-conservative amino acid change in the encoded protein sequence. Five of five in-silico tools predict a damaging effect of the variant on protein function. The variant allele was found at a frequency of 4.7e-06 in 214098 control chromosomes (gnomAD). The available data on variant occurrences in the general population are insufficient to allow any conclusion about variant significance. c.502C>T has been reported in the literature in an individual affected with Joubert syndrome and an individual affected with Pituitary stalk interruption syndrome (Phelps_2018, Fang_2020). These reports do not provide unequivocal conclusions about association of the variant with CEP290-Related Disorders. To our knowledge, no experimental evidence demonstrating an impact on protein function has been reported. Two ClinVar submitters (evaluation after 2014) cite the variant as uncertain significance. Based on the evidence outlined above, the variant was classified as uncertain significance.

Labcorp Genetics (formerly Invitae), Labcorp
Classification: Uncertain significance for Joubert syndrome; Meckel-Gruber syndrome; Nephronophthisis. Last evaluated: 2021-09-16. Review status: criteria provided, single submitter. Criteria: Invitae Variant Classification Sherloc (09022015). Collection method: clinical testing. Allele origin: germline.
Comment: This sequence change replaces arginine with cysteine at codon 168 of the CEP290 protein (p.Arg168Cys). The arginine residue is weakly conserved and there is a large physicochemical difference between arginine and cysteine. This variant is not present in population databases (ExAC no frequency). This missense change has been observed in individual(s) with Joubert syndrome (PMID: 28771248). ClinVar contains an entry for this variant (Variation ID: 450290). Algorithms developed to predict the effect of missense changes on protein structure and function are either unavailable or do not agree on the potential impact of this missense change (SIFT: "Deleterious"; PolyPhen-2: "Probably Damaging"; Align-GVGD: "Class C0"). In summary, the available evidence is currently insufficient to determine the role of this variant in disease. Therefore, it has been classified as a Variant of Uncertain Significance.

Blueprint Genetics
Classification: Uncertain significance. Last evaluated: 2021-03-26. Review status: criteria provided, single submitter. Criteria: ACMG Guidelines, 2015. Collection method: clinical testing. Allele origin: germline.

GeneDx
Classification: Uncertain significance. Last evaluated: 2017-07-10. Review status: criteria provided, single submitter. Criteria: GeneDx Variant Classification (06012015). Collection method: clinical testing. Allele origin: germline. Affected: yes.
Comment: A variant of uncertain significance has been identified in the CEP290 gene. The R168C variant has not been published as a pathogenic variant, nor has it been reported as a benign variant to our knowledge. The R168C variant is not observed in large population cohorts (Lek et al., 2016; 1000 Genomes Consortium et al., 2015; Exome Variant Server). This substitution occurs at a position that is not conserved. However, the R168C variant is a non-conservative amino acid substitution, which is likely to impact secondary protein structure as these residues differ in polarity, charge, size and/or other properties. Additionally, in silico analysis predicts this variant is probably damaging to the protein structure/function. Therefore, based on the currently available information, it is unclear whether this variant is a pathogenic variant or a rare benign variant.

PreventionGenetics, part of Exact Sciences
Classification: Uncertain significance for CEP290-related condition. Last evaluated: 2024-07-17. Review status: no assertion criteria provided. Collection method: clinical testing. Allele origin: germline. Not counted in ClinVar's aggregate classification.
Comment: The CEP290 c.502C>T variant is predicted to result in the amino acid substitution p.Arg168Cys. This variant has been reported in an individual with Joubert syndrome (Supplementary Appendix 3, Phelps et al. 2018. PubMed ID: 28771248). This variant has also been reported in an individual undergoing testing for pituitary stalk interruption syndrome (Fang et al. 2020. PubMed ID: 32864857). This variant is reported in 0.0058% of alleles in individuals of East Asian descent in gnomAD. A different missense change impacting the same amino acid (c.503G>A, p.Arg168His) has been reported in an individual with retinitis pigmentosa (Table S4, Jespersgaard et al. 2019. PubMed ID: 30718709). At this time, the clinical significance of this variant is uncertain due to the absence of conclusive functional and genetic evidence.

Natera, Inc.
Classification: Uncertain significance for Leber congenital amaurosis. Last evaluated: 2020-03-03. Review status: no assertion criteria provided. Collection method: clinical testing. Allele origin: germline. Not counted in ClinVar's aggregate classification.

Literature cited by the submitters: PubMed 28771248 (cited by Women's Health and Genetics/Laboratory Corporation of America, LabCorp and Labcorp Genetics (formerly Invitae), Labcorp); PubMed 32864857 (cited by Women's Health and Genetics/Laboratory Corporation of America, LabCorp).